The following is an entry in ClinVar:

ClinVar aggregate classification (germline): Uncertain significance (1 of 4 stars; one submission).

Allele frequency attached by ClinVar (database versions not stated): gnomAD exomes below 0.00001.
gnomAD v4.1: 1 of 1,361,902 alleles (0.000073%); highest among the groups gnomAD compares: Non-Finnish European, 0.000094%; no homozygotes.

Submission:

Labcorp Genetics (formerly Invitae), Labcorp
Classification: Uncertain significance. Last evaluated: 2023-06-15. Review status: criteria provided, single submitter. Criteria: Invitae Variant Classification Sherloc (09022015). Collection method: clinical testing. Allele origin: germline.
Comment: This variant is not present in population databases (gnomAD no frequency). This sequence change replaces valine, which is neutral and non-polar, with alanine, which is neutral and non-polar, at codon 184 of the IRF2BP2 protein (p.Val184Ala). In summary, the available evidence is currently insufficient to determine the role of this variant in disease. Therefore, it has been classified as a Variant of Uncertain Significance. An algorithm developed to predict the effect of missense changes on protein structure and function (PolyPhen-2) suggests that this variant is likely to be disruptive. This variant has not been reported in the literature in individuals affected with IRF2BP2-related conditions.

NM_182972.3(IRF2BP2):c.551T>C (p.Val184Ala)

Gene: IRF2BP2 (interferon regulatory factor 2 binding protein 2; minus strand). Cytogenetic location: 1q42.3.
Variant type: single nucleotide variant.
Coding change: c.551T>C on transcript NM_182972.3 (MANE Select); coding-DNA position 551, T replaced by C.
Protein change: p.Val184Ala; replaces valine 184 with alanine.
Molecular consequence: missense variant.
Genome position (GRCh38, 1-based): chr1:234,608,944, A>G on the plus strand (T>C on the coding strand, the complement: IRF2BP2 is on the minus strand). VCF-style: chr1-234608944-A-G. GRCh37 (hg19) VCF-style: chr1-234744690-A-G.
Other names: c.551T>C, p.Val184Ala (NM_001077397.1); short protein forms V184A.
Identifiers: ClinVar variation 2717001 (VCV002717001.3), dbSNP rs2528521400, ClinGen allele CA345309702.
Genomic context (GRCh38, chr1:234,608,944, plus strand): 5'-CCGAGCGCGGTGGGCAGCGGCGTGGCCGAGCCGTTCATGAGCGGCACCAGGGTGGGCGGC[A>G]CCGCGTGGCCGCGCCGCGGGTTCGGGCTCTGGCGATTCAGCTCGGGCGGCTCCTCTAGCT-3'
Protein context (NP_892017.2, residues 174-194): QSPNPRRGHA[Val184Ala]PPTLVPLMNG